The following is an entry in ClinVar:

ClinVar aggregate classification (germline): Uncertain significance (1 of 4 stars; one submission).

Submission:

Labcorp Genetics (formerly Invitae), Labcorp
Classification: Uncertain significance. Last evaluated: 2025-01-02. Review status: criteria provided, single submitter. Criteria: Invitae Variant Classification Sherloc (09022015). Collection method: clinical testing. Allele origin: germline.
Comment: This sequence change replaces lysine, which is basic and polar, with threonine, which is neutral and polar, at codon 143 of the COX15 protein (p.Lys143Thr). This variant is not present in population databases (gnomAD no frequency). This variant has not been reported in the literature in individuals affected with COX15-related conditions. An algorithm developed to predict the effect of missense changes on protein structure and function (PolyPhen-2) suggests that this variant is likely to be disruptive. In summary, the available evidence is currently insufficient to determine the role of this variant in disease. Therefore, it has been classified as a Variant of Uncertain Significance.

NM_078470.6(COX15):c.428A>C (p.Lys143Thr)

Gene: COX15 (cytochrome c oxidase assembly homolog COX15; minus strand). Cytogenetic location: 10q24.2.
Variant type: single nucleotide variant.
Coding change: c.428A>C on transcript NM_078470.6 (MANE Select); coding-DNA position 428, A replaced by C.
Protein change: p.Lys143Thr; replaces lysine 143 with threonine.
Molecular consequence: missense variant. On other transcripts: intron variant (1).
Genome position (GRCh38, 1-based): chr10:99,727,122, T>G on the plus strand (A>C on the coding strand, the complement: COX15 is on the minus strand). VCF-style: chr10-99727122-T-G. GRCh37 (hg19) VCF-style: chr10-101486879-T-G.
Other names: c.428A>C, p.Lys143Thr (NM_001320974.2, NM_001320975.2, NM_001372024.1 and 5 more transcripts); c.-59-51A>C (NM_001320976.2); short protein forms K143T.
Identifiers: ClinVar variation 3676901 (VCV003676901.1).